The following is an entry in ClinVar:

NM_000507.4(FBP1):c.334-17C>A

Gene: FBP1 (fructose-bisphosphatase 1; minus strand). Cytogenetic location: 9q22.32.
Variant type: single nucleotide variant.
Coding change: c.334-17C>A on transcript NM_000507.4 (MANE Select); 17 bases into the intron before coding-DNA position 334, C replaced by A.
Molecular consequence: intron variant.
Genome position (GRCh38, 1-based): chr9:94,617,877, G>T on the plus strand (C>A on the coding strand, the complement: FBP1 is on the minus strand). VCF-style: chr9-94617877-G-T. GRCh37 (hg19) VCF-style: chr9-97380159-G-T.
Other names: c.334-17C>A (NM_001127628.2).
Identifiers: ClinVar variation 256319 (VCV000256319.7), dbSNP rs375155560, ClinGen allele CA5136272.
Genomic context (GRCh38, chr9:94,617,877, plus strand): 5'-TTGGAAGATCCATCAAGGGGATCAAAACAGACCACATATTTACCCTGAGCACAGAAAAAA[G>T]AAATACAACCTTAAAATGTTATAGCAAGATACACTAAAGGAGTATACATTAGGGGCTAAG-3'

ClinVar aggregate classification (germline): Likely benign. Review status: criteria provided, multiple submitters, no conflicts (2 of 4 stars). 4 submissions from 4 submitters: Likely benign (4). Last evaluated 2025-11-06.

Conditions:
Fructose-biphosphatase deficiency (FBP1D). Also called: Fructose-1,6-Bisphosphatase 1 Deficiency; Fructose 1,6 Bisphosphatase Deficiency; Fructose-1,6-Diphosphatase Deficiency. Identifiers: Orphanet 348, MedGen C0016756, MONDO:0009251, OMIM 229700.

Allele frequency attached by ClinVar (database versions not stated): gnomAD 0.00013; TOPMed 0.00014; gnomAD exomes 0.00017; ExAC 0.00021; ESP Exome Variant Server 0.00031.
gnomAD v4.1: 240 of 1,562,974 alleles (0.015%); highest among the groups gnomAD compares: Middle Eastern, 0.38%; 2 homozygotes.

Submissions (4):

Labcorp Genetics (formerly Invitae), Labcorp
Classification: Likely benign for Fructose-biphosphatase deficiency. Last evaluated: 2025-11-06. Review status: criteria provided, single submitter. Criteria: Invitae Variant Classification Sherloc (09022015). Collection method: clinical testing. Allele origin: germline.

Blueprint Genetics
Classification: Likely benign. Last evaluated: 2024-11-22. Review status: criteria provided, single submitter. Criteria: ACMG Guidelines, 2015. Collection method: clinical testing. Allele origin: germline.

GeneDx
Classification: Likely benign. Last evaluated: 2018-02-19. Review status: criteria provided, single submitter. Criteria: GeneDx Variant Classification (06012015). Collection method: clinical testing. Allele origin: germline. Affected: yes.
Comment: This variant is considered likely benign or benign based on one or more of the following criteria: it is a conservative change, it occurs at a poorly conserved position in the protein, it is predicted to be benign by multiple in silico algorithms, and/or has population frequency not consistent with disease.

PreventionGenetics, part of Exact Sciences
Classification: Likely benign. Review status: criteria provided, single submitter. Criteria: ACMG Guidelines, 2015. Collection method: clinical testing. Allele origin: germline.